The following is an entry in ClinVar:

NM_053025.4(MYLK):c.985C>G (p.Pro329Ala)

Gene: MYLK (myosin light chain kinase; minus strand). Cytogenetic location: 3q21.1.
Variant type: single nucleotide variant.
Coding change: c.985C>G on transcript NM_053025.4 (MANE Select); coding-DNA position 985, C replaced by G.
Protein change: p.Pro329Ala; replaces proline 329 with alanine.
Molecular consequence: missense variant.
Genome position (GRCh38, 1-based): chr3:123,734,011, G>C on the plus strand (C>G on the coding strand, the complement: MYLK is on the minus strand). VCF-style: chr3-123734011-G-C. GRCh37 (hg19) VCF-style: chr3-123452858-G-C.
Other names: c.457C>G, p.Pro153Ala (NM_001321309.2); c.985C>G, p.Pro329Ala (NM_053026.4, NM_053027.4, NM_053028.4); short protein forms P329A, P153A.
Identifiers: ClinVar variation 939332 (VCV000939332.6), dbSNP rs1406169210, ClinGen allele CA354239730.

ClinVar aggregate classification (germline): Uncertain significance (1 of 4 stars; one submission).

Conditions:
Aortic aneurysm, familial thoracic 7 (AAT7). Also called: AORTIC DISSECTION, FAMILIAL, WITH OR WITHOUT AORTIC ANEURYSM. Identifiers: MedGen C3151077, MONDO:0013418, OMIM 613780.

Submission:

Labcorp Genetics (formerly Invitae), Labcorp
Classification: Uncertain significance for Aortic aneurysm, familial thoracic 7. Last evaluated: 2024-07-04. Review status: criteria provided, single submitter. Criteria: Invitae Variant Classification Sherloc (09022015). Collection method: clinical testing. Allele origin: germline.
Comment: This sequence change replaces proline, which is neutral and non-polar, with alanine, which is neutral and non-polar, at codon 329 of the MYLK protein (p.Pro329Ala). This variant is not present in population databases (gnomAD no frequency). This variant has not been reported in the literature in individuals affected with MYLK-related conditions. ClinVar contains an entry for this variant (Variation ID: 939332). Advanced modeling of protein sequence and biophysical properties (such as structural, functional, and spatial information, amino acid conservation, physicochemical variation, residue mobility, and thermodynamic stability) performed at Invitae indicates that this missense variant is not expected to disrupt MYLK protein function with a negative predictive value of 95%. In summary, the available evidence is currently insufficient to determine the role of this variant in disease. Therefore, it has been classified as a Variant of Uncertain Significance.